The following is an entry in ClinVar:

NM_003743.5(NCOA1):c.3245C>T (p.Ala1082Val)

Gene: NCOA1 (nuclear receptor coactivator 1; plus strand). Cytogenetic location: 2p23.3.
Variant type: single nucleotide variant.
Coding change: c.3245C>T on transcript NM_003743.5 (MANE Select); coding-DNA position 3245, C replaced by T.
Protein change: p.Ala1082Val; replaces alanine 1082 with valine.
Molecular consequence: missense variant.
Genome position (GRCh38, 1-based): chr2:24,739,475, C>T. VCF-style: chr2-24739475-C-T. GRCh37 (hg19) VCF-style: chr2-24962344-C-T.
Other names: c.3245C>T, p.Ala1082Val (NM_001362950.1, NM_001362952.1, NM_001362954.1 and 3 more transcripts); short protein forms A1082V.
Identifiers: ClinVar variation 3347210 (VCV003347210.1).

ClinVar aggregate classification (germline): Uncertain significance (0 of 4 stars; one submission).

Conditions:
NCOA1-related disorder. Also called: NCOA1-related condition.

Submission:

PreventionGenetics, part of Exact Sciences
Classification: Uncertain significance for NCOA1-related condition. Last evaluated: 2024-08-13. Review status: no assertion criteria provided. Collection method: clinical testing. Allele origin: germline.
Comment: The NCOA1 c.3245C>T variant is predicted to result in the amino acid substitution p.Ala1082Val. To our knowledge, this variant has not been reported in the literature or in gnomAD, indicating this variant is rare. At this time, the clinical significance of this variant is uncertain due to the absence of conclusive functional and genetic evidence.